The following is an entry in ClinVar:

NM_022489.4(INF2):c.3037C>A (p.Pro1013Thr)

Gene: INF2 (inverted formin 2; plus strand). Cytogenetic location: 14q32.33.
Variant type: single nucleotide variant.
Coding change: c.3037C>A on transcript NM_022489.4 (MANE Select); coding-DNA position 3037, C replaced by A.
Protein change: p.Pro1013Thr; replaces proline 1013 with threonine.
Molecular consequence: missense variant.
Genome position (GRCh38, 1-based): chr14:104,713,603, C>A. VCF-style: chr14-104713603-C-A. GRCh37 (hg19) VCF-style: chr14-105179940-C-A.
Other names: c.3037C>A, p.Pro1013Thr (NM_001031714.4); short protein forms P1013T.
Identifiers: ClinVar variation 1043794 (VCV001043794.10), dbSNP rs1389268909, ClinGen allele CA391223220.

ClinVar aggregate classification (germline): Uncertain significance. Review status: criteria provided, multiple submitters, no conflicts (2 of 4 stars). 2 submissions from 2 submitters: Uncertain significance (2). Last evaluated 2022-04-07.

Conditions:
Inborn genetic diseases. Identifiers: MedGen C0950123, MeSH D030342.
Focal segmental glomerulosclerosis 5 (FSGS5). Identifiers: Orphanet 656, MedGen C2750475, MONDO:0013191, OMIM 613237.
Charcot-Marie-Tooth disease dominant intermediate E. Also called: CHARCOT-MARIE-TOOTH NEUROPATHY WITH FOCAL SEGMENTAL GLOMERULONEPHRITIS. Identifiers: Orphanet 93114, MedGen C4302667, MONDO:0013758, OMIM 614455.

Allele frequency attached by ClinVar (database versions not stated): gnomAD exomes below 0.00001; gnomAD 0.00001.
gnomAD v4.1: 4 of 1,612,204 alleles (0.00025%); highest among the groups gnomAD compares: Non-Finnish European, 0.00034%; no homozygotes.

Submissions (2):

Ambry Genetics
Classification: Uncertain significance for Inborn genetic diseases. Last evaluated: 2022-04-07. Review status: criteria provided, single submitter. Criteria: Ambry Variant Classification Scheme 2023. Collection method: clinical testing. Allele origin: germline.
Comment: The p.P1013T variant (also known as c.3037C>A), located in coding exon 19 of the INF2 gene, results from a C to A substitution at nucleotide position 3037. The proline at codon 1013 is replaced by threonine, an amino acid with highly similar properties. This amino acid position is conserved. In addition, this alteration is predicted to be tolerated by in silico analysis. Since supporting evidence is limited at this time, the clinical significance of this alteration remains unclear.

Labcorp Genetics (formerly Invitae), Labcorp
Classification: Uncertain significance for Charcot-Marie-Tooth disease dominant intermediate E; Focal segmental glomerulosclerosis 5. Last evaluated: 2020-12-03. Review status: criteria provided, single submitter. Criteria: Invitae Variant Classification Sherloc (09022015). Collection method: clinical testing. Allele origin: germline.
Comment: In summary, the available evidence is currently insufficient to determine the role of this variant in disease. Therefore, it has been classified as a Variant of Uncertain Significance. This variant has not been reported in the literature in individuals with INF2-related conditions. This variant is not present in population databases (ExAC no frequency). This sequence change replaces proline with threonine at codon 1013 of the INF2 protein (p.Pro1013Thr). The proline residue is weakly conserved and there is a small physicochemical difference between proline and threonine.